The following is an entry in ClinVar:

ClinVar aggregate classification (germline): Uncertain significance (1 of 4 stars; one submission).

Submission:

Labcorp Genetics (formerly Invitae), Labcorp
Classification: Uncertain significance. Last evaluated: 2024-03-27. Review status: criteria provided, single submitter. Criteria: Invitae Variant Classification Sherloc (09022015). Collection method: clinical testing. Allele origin: germline.
Comment: This sequence change creates a premature translational stop signal (p.Cys155*) in the UMOD gene. It is expected to result in an absent or disrupted protein product. However, the current clinical and genetic evidence is not sufficient to establish whether loss-of-function variants in UMOD cause disease. The frequency data for this variant in the population databases is considered unreliable, as metrics indicate poor data quality at this position in the gnomAD database. This variant has not been reported in the literature in individuals affected with UMOD-related conditions. In summary, the available evidence is currently insufficient to determine the role of this variant in disease. Therefore, it has been classified as a Variant of Uncertain Significance.

NM_003361.4(UMOD):c.465C>A (p.Cys155Ter)

Gene: UMOD (uromodulin; minus strand). Cytogenetic location: 16p12.3.
Variant type: single nucleotide variant.
Coding change: c.465C>A on transcript NM_003361.4 (MANE Select); coding-DNA position 465, C replaced by A.
Protein change: p.Cys155Ter; replaces cysteine 155 with a stop codon.
Molecular consequence: nonsense. On other transcripts: non-coding transcript variant (1).
Genome position (GRCh38, 1-based): chr16:20,348,836, G>T on the plus strand (C>A on the coding strand, the complement: UMOD is on the minus strand). VCF-style: chr16-20348836-G-T. GRCh37 (hg19) VCF-style: chr16-20360158-G-T.
Other names: c.465C>A, p.Cys155Ter (NM_001008389.3, NM_001378232.1, NM_001378233.1 and 3 more transcripts); c.564C>A, p.Cys188Ter (NM_001278614.2); short protein forms C155*, C188*.
Identifiers: ClinVar variation 3622503 (VCV003622503.2).